The following is an entry in ClinVar:

ClinVar aggregate classification (germline): Uncertain significance (1 of 4 stars; one submission).

Allele frequency attached by ClinVar (database versions not stated): ESP Exome Variant Server 0.00008; ExAC 0.00001.

Submission:

GeneDx
Classification: Uncertain significance. Last evaluated: 2023-04-03. Review status: criteria provided, single submitter. Criteria: GeneDx Variant Classification Process June 2021. Collection method: clinical testing. Allele origin: germline.
Comment: Has not been previously published as pathogenic or benign to our knowledge; Not observed at significant frequency in large population cohorts (gnomAD); In silico analysis supports that this missense variant does not alter protein structure/function

NM_004370.6(COL12A1):c.5803G>C (p.Gly1935Arg)

Gene: COL12A1 (collagen type XII alpha 1 chain; minus strand). Cytogenetic location: 6q13.
Variant type: single nucleotide variant.
Coding change: c.5803G>C on transcript NM_004370.6 (MANE Select); coding-DNA position 5803, G replaced by C.
Protein change: p.Gly1935Arg; replaces glycine 1935 with arginine.
Molecular consequence: missense variant.
Genome position (GRCh38, 1-based): chr6:75,132,074, C>G on the plus strand (G>C on the coding strand, the complement: COL12A1 is on the minus strand). VCF-style: chr6-75132074-C-G. GRCh37 (hg19) VCF-style: chr6-75841790-C-G.
Other names: c.2311G>C, p.Gly771Arg (NM_080645.3); short protein forms G1935R, G771R.
Identifiers: ClinVar variation 1803651 (VCV001803651.2), dbSNP rs368328629, ClinGen allele CA3892995.